The following is an entry in ClinVar:

ClinVar aggregate classification (germline): Pathogenic (1 of 4 stars; one submission).

Conditions:
Tumor predisposition syndrome 3 (TPDS3). Also called: Melanoma, cutaneous malignant, susceptibility to, 10; Glioma susceptibility 9; LONG TELOMERE SYNDROME, POT1-RELATED; POT1 Tumor Predisposition. Identifiers: Orphanet 618, MedGen C4014476, MONDO:0014368, OMIM 615848.

Submission:

Labcorp Genetics (formerly Invitae), Labcorp
Classification: Pathogenic for Tumor predisposition syndrome 3. Last evaluated: 2021-07-23. Review status: criteria provided, single submitter. Criteria: Invitae Variant Classification Sherloc (09022015). Collection method: clinical testing. Allele origin: germline.
Comment: For these reasons, this variant has been classified as Pathogenic. This variant has not been reported in the literature in individuals affected with POT1-related conditions. This variant is not present in population databases (ExAC no frequency). This sequence change creates a premature translational stop signal (p.Gly64Glufs*8) in the POT1 gene. It is expected to result in an absent or disrupted protein product. Loss-of-function variants in POT1 are known to be pathogenic (PMID: 32155570).

Literature cited by the submitters: PubMed 32155570.

NM_015450.3(POT1):c.191del (p.Gly64fs)

Gene: POT1 (protection of telomeres 1; minus strand). Cytogenetic location: 7q31.33.
Variant type: Deletion.
Coding change: c.191del on transcript NM_015450.3 (MANE Select); coding-DNA position 191, one base deleted (G; older notation c.191delG).
Protein change: p.Gly64fs; shifts the reading frame from glycine 64.
Molecular consequence: frameshift variant. On other transcripts: non-coding transcript variant (3), intron variant (1).
Genome position (GRCh38, 1-based): chr7:124,870,975, C deleted on the plus strand (G on the coding strand, the reverse complement: POT1 is on the minus strand); the first of 2 consecutive C bases (chr7:124,870,975-124,870,976); deleting either gives the same sequence. VCF-style (leftmost placement, unchanged base first): chr7-124870974-TC-T. GRCh37 (hg19) VCF-style: chr7-124511028-TC-T.
Other names: c.-138-7335del (NM_001042594.2); short protein forms G64fs.
Identifiers: ClinVar variation 849249 (VCV000849249.9), dbSNP rs1795853533, ClinGen allele CA916082954.